The following is an entry in ClinVar:

ClinVar aggregate classification (germline): Likely pathogenic (1 of 4 stars; one submission).

Conditions:
Deficiency of alpha-mannosidase (MANSA). Also called: Mannosidosis, alpha-, types I and II; Alpha-Mannosidosis; LYSOSOMAL ALPHA-D-MANNOSIDASE DEFICIENCY. Identifiers: Orphanet 61, MedGen C0024748, MONDO:0009561, OMIM 248500.

Submission:

Myriad Genetics, Inc.
Classification: Likely pathogenic for Deficiency of alpha-mannosidase. Last evaluated: 2019-03-31. Review status: criteria provided, single submitter. Criteria: Myriad Women's Health Autosomal Recessive and X-Linked Classification Criteria (2019). Collection method: clinical testing. Allele origin: unknown.
Comment: NM_000528.3(MAN2B1):c.1450A>T(R484*) is expected to be pathogenic in the context of alpha-mannosidosis. This variant is predicted to lead to an abnormal or absent protein product due to the creation of a premature termination codon in MAN2B1, a gene where loss-of-function variants are known to be pathogenic. Please note: this variant was assessed in the context of healthy population screening.

NM_000528.4(MAN2B1):c.1450A>T (p.Arg484Ter)

Gene: MAN2B1 (mannosidase alpha class 2B member 1; minus strand). Cytogenetic location: 19p13.13.
Variant type: single nucleotide variant.
Coding change: c.1450A>T on transcript NM_000528.4 (MANE Select); coding-DNA position 1450, A replaced by T.
Protein change: p.Arg484Ter; replaces arginine 484 with a stop codon.
Molecular consequence: nonsense.
Genome position (GRCh38, 1-based): chr19:12,657,026, T>A on the plus strand (A>T on the coding strand, the complement: MAN2B1 is on the minus strand). VCF-style: chr19-12657026-T-A. GRCh37 (hg19) VCF-style: chr19-12767840-T-A.
Other names: c.1447A>T, p.Arg483Ter (NM_001173498.2); short protein forms R483*, R484*.
Identifiers: ClinVar variation 984239 (VCV000984239.3), dbSNP rs2023979174, ClinGen allele CA404246423.